The following is an entry in ClinVar:

NM_001353921.2(ARHGEF9):c.889C>T (p.Arg297Cys)

Gene: ARHGEF9 (Cdc42 guanine nucleotide exchange factor 9; minus strand). Cytogenetic location: Xq11.1.
Variant type: single nucleotide variant.
Coding change: c.889C>T on transcript NM_001353921.2 (MANE Select); coding-DNA position 889, C replaced by T.
Protein change: p.Arg297Cys; replaces arginine 297 with cysteine.
Molecular consequence: missense variant.
Genome position (GRCh38, 1-based): chrX:63,674,094, G>A on the plus strand (C>T on the coding strand, the complement: ARHGEF9 is on the minus strand). VCF-style: chrX-63674094-G-A. GRCh37 (hg19) VCF-style: chrX-62893974-G-A.
Other names: c.709C>T, p.Arg237Cys (NM_001173479.2); c.562C>T, p.Arg188Cys (NM_001173480.2, NM_001369042.1); c.805C>T, p.Arg269Cys (NM_001330495.2, NM_001353927.2, NM_001369033.1 and 8 more transcripts); c.889C>T, p.Arg297Cys (NM_001353922.2); c.907C>T, p.Arg303Cys (NM_001353923.1); c.688C>T, p.Arg230Cys (NM_001353924.2, NM_001353926.2, NM_001369039.1 and 1 more transcripts); c.868C>T, p.Arg290Cys (NM_001353928.2, NM_001369030.1, NM_001369031.1 and 2 more transcripts); c.454C>T, p.Arg152Cys (NM_001369045.1); short protein forms R290C, R152C, R269C, R188C, R230C, R237C, R303C, R297C.
Identifiers: ClinVar variation 973141 (VCV000973141.11), dbSNP rs2050115619, ClinGen allele CA413406032.

ClinVar aggregate classification (germline): Conflicting classifications of pathogenicity. Review status: criteria provided, conflicting classifications (1 of 4 stars). 4 submissions from 4 submitters: Pathogenic (1); Likely pathogenic (1); Uncertain significance (1). 1 of the submissions does not count toward it. Last evaluated 2022-08-16.

Conditions:
Inborn genetic diseases. Identifiers: MedGen C0950123, MeSH D030342.
Autism spectrum disorder. Also called: Autism spectrum disorders. Identifiers: MedGen C1510586, MeSH D000067877, MONDO:0005258.
ARHGEF9-related disorder. Also called: ARHGEF9-related condition.
Developmental and epileptic encephalopathy, 8 (DEE8). Also called: HYPEREKPLEXIA AND EPILEPSY. Identifiers: Orphanet 163985, Orphanet 2076, MedGen C1845102, MONDO:0010375, OMIM 300607.

Submissions (4):

Labcorp Genetics (formerly Invitae), Labcorp
Classification: Uncertain significance for Developmental and epileptic encephalopathy, 8. Last evaluated: 2022-08-16. Review status: criteria provided, single submitter. Criteria: Invitae Variant Classification Sherloc (09022015). Collection method: clinical testing. Allele origin: germline.
Comment: This variant is not present in population databases (gnomAD no frequency). This sequence change replaces arginine, which is basic and polar, with cysteine, which is neutral and slightly polar, at codon 290 of the ARHGEF9 protein (p.Arg290Cys). In summary, the available evidence is currently insufficient to determine the role of this variant in disease. Therefore, it has been classified as a Variant of Uncertain Significance. This variant disrupts the p.Arg290 amino acid residue in ARHGEF9. Other variant(s) that disrupt this residue have been determined to be pathogenic (PMID: 25678704, 28589176). This suggests that this residue is clinically significant, and that variants that disrupt this residue are likely to be disease-causing. Algorithms developed to predict the effect of missense changes on protein structure and function are either unavailable or do not agree on the potential impact of this missense change (SIFT: "Deleterious"; PolyPhen-2: "Probably Damaging"; Align-GVGD: "Class C0"). ClinVar contains an entry for this variant (Variation ID: 973141). This missense change has been observed in individual(s) with epileptic encephalopathy (PMID: 29130122). It has also been observed to segregate with disease in related individuals.

Blueprint Genetics
Classification: Pathogenic for ARHGEF9-related disorders. Last evaluated: 2022-02-17. Review status: criteria provided, single submitter. Criteria: ACMG Guidelines, 2015. Collection method: clinical testing. Allele origin: germline. Affected: yes. Observed: 1 variant allele.

Ambry Genetics
Classification: Likely pathogenic for Inborn genetic diseases. Last evaluated: 2018-03-07. Review status: criteria provided, single submitter. Criteria: Ambry Variant Classification Scheme 2023. Collection method: clinical testing. Allele origin: germline.
Comment: The p.R290C variant (also known as c.868C>T), located in coding exon 6 of the ARHGEF9 gene, results from a C to T substitution at nucleotide position 868. The arginine at codon 290 is replaced by cysteine, an amino acid with highly dissimilar properties. This alteration co-segregated with disease in one family with four male siblings who all had refractory epileptic encephalopathy and carried this alteration. The alteration was determined to be inherited from the unaffected mother (Wang JY et al. Neurogenetics, 2018 Jan;19:9-16). Internal structural analysis indicates that this alteration is structurally deleterious (Ambry internal data; Xiang S et al. J. Mol. Biol., 2006 May;359:35-46). The p.R290H variant was shown to impair proper function of the ARHGEF9 protein (Papadopoulos T et al. J. Biol. Chem., 2015 Mar;290:8256-70; Long P et al. Front Mol Neurosci, 2015 Jan;8:83). This amino acid position is highly conserved in available vertebrate species. In addition, this alteration is predicted to be deleterious by in silico analysis. Based on the majority of available evidence to date, this variant is likely to be pathogenic.

Diagnostic Laboratory, Strasbourg University Hospital
Classification: Uncertain significance for Autism spectrum disorder. Last evaluated: 2017-12-01. Review status: no assertion criteria provided. Collection method: clinical testing. Allele origin: unknown. Affected: yes. Observed: 1 hemizygote. Not counted in ClinVar's aggregate classification.

Literature cited by the submitters: PubMed 25678704 (cited by Labcorp Genetics (formerly Invitae), Labcorp); PubMed 28589176 (cited by Labcorp Genetics (formerly Invitae), Labcorp); PubMed 29130122 (cited by Labcorp Genetics (formerly Invitae), Labcorp and Ambry Genetics).